The following is an entry in ClinVar:

NM_001999.4(FBN2):c.5990T>C (p.Phe1997Ser)

Gene: FBN2 (fibrillin 2; minus strand). Cytogenetic location: 5q23.3.
Variant type: single nucleotide variant.
Coding change: c.5990T>C on transcript NM_001999.4 (MANE Select); coding-DNA position 5990, T replaced by C.
Protein change: p.Phe1997Ser; replaces phenylalanine 1997 with serine.
Molecular consequence: missense variant.
Genome position (GRCh38, 1-based): chr5:128,301,438, A>G on the plus strand (T>C on the coding strand, the complement: FBN2 is on the minus strand). VCF-style: chr5-128301438-A-G. GRCh37 (hg19) VCF-style: chr5-127637130-A-G.
Other names: short protein forms F1997S.
Identifiers: ClinVar variation 546980 (VCV000546980.52), dbSNP rs754066538, ClinGen allele CA3394532.

ClinVar aggregate classification (germline): Uncertain significance. Review status: criteria provided, multiple submitters, no conflicts (2 of 4 stars). 2 submissions from 2 submitters: Uncertain significance (2). Last evaluated 2025-10-01.

Conditions:
Congenital contractural arachnodactyly (CCA). Also called: BEALS SYNDROME; Beals-Hecht syndrome; Arthrogryposis, distal, type 9. Identifiers: Orphanet 115, MedGen C0220668, MONDO:0007363, OMIM 121050.

Allele frequency attached by ClinVar (database versions not stated): gnomAD exomes below 0.00001; ExAC 0.00001.
gnomAD v4.1: 1 of 1,613,532 alleles (0.000062%); highest among the groups gnomAD compares: Non-Finnish European, 0.000085%; no homozygotes.

Submissions (2):

CeGaT Center for Human Genetics Tuebingen
Classification: Uncertain significance. Last evaluated: 2025-10-01. Review status: criteria provided, single submitter. Criteria: CeGaT Center For Human Genetics Tuebingen Variant Classification Criteria Version 2. Collection method: clinical testing. Allele origin: germline. Affected: yes. Observed: 2 variant alleles.
Comment: FBN2: PM2

Labcorp Genetics (formerly Invitae), Labcorp
Classification: Uncertain significance for Congenital contractural arachnodactyly. Last evaluated: 2024-02-17. Review status: criteria provided, single submitter. Criteria: Invitae Variant Classification Sherloc (09022015). Collection method: clinical testing. Allele origin: germline.
Comment: This sequence change replaces phenylalanine, which is neutral and non-polar, with serine, which is neutral and polar, at codon 1997 of the FBN2 protein (p.Phe1997Ser). This variant is present in population databases (rs754066538, gnomAD 0.0009%). This variant has not been reported in the literature in individuals affected with FBN2-related conditions. ClinVar contains an entry for this variant (Variation ID: 546980). Advanced modeling of protein sequence and biophysical properties (such as structural, functional, and spatial information, amino acid conservation, physicochemical variation, residue mobility, and thermodynamic stability) performed at Invitae indicates that this missense variant is expected to disrupt FBN2 protein function with a positive predictive value of 80%. In summary, the available evidence is currently insufficient to determine the role of this variant in disease. Therefore, it has been classified as a Variant of Uncertain Significance.